The following is an entry in ClinVar:

ClinVar aggregate classification (germline): Benign/Likely benign. Review status: criteria provided, multiple submitters, no conflicts (2 of 4 stars). 5 submissions from 5 submitters: Benign (1); Likely benign (4). Last evaluated 2026-01-28.

Conditions:
Familial focal epilepsy with variable foci (FPEVF). Identifiers: Orphanet 98820, MedGen C1858477, MONDO:0020310.
Inborn genetic diseases. Identifiers: MedGen C0950123, MeSH D030342.

Allele frequency attached by ClinVar (database versions not stated): gnomAD exomes 0.00024 and 0.00053; ExAC 0.00033; TOPMed 0.00033; gnomAD 0.00036 and 0.00037; ESP Exome Variant Server 0.00044.
gnomAD v4.1: 792 of 1,551,424 alleles (0.051%); highest among the groups gnomAD compares: Non-Finnish European, 0.065%; 1 homozygote.

Submissions (5):

Labcorp Genetics (formerly Invitae), Labcorp
Classification: Likely benign for Familial focal epilepsy with variable foci. Last evaluated: 2026-01-28. Review status: criteria provided, single submitter. Criteria: Invitae Variant Classification Sherloc (09022015). Collection method: clinical testing. Allele origin: germline.

CeGaT Center for Human Genetics Tuebingen
Classification: Likely benign. Last evaluated: 2025-12-01. Review status: criteria provided, single submitter. Criteria: CeGaT Center For Human Genetics Tuebingen Variant Classification Criteria Version 2. Collection method: clinical testing. Allele origin: germline. Affected: yes. Observed: 4 variant alleles.
Comment: DEPDC5: BP4, BP7

GeneDx
Classification: Benign. Last evaluated: 2019-06-03. Review status: criteria provided, single submitter. Criteria: GeneDx Variant Classification Process June 2021. Collection method: clinical testing. Allele origin: germline. Affected: yes.

Ambry Genetics
Classification: Likely benign for Inborn genetic diseases. Last evaluated: 2018-01-16. Review status: criteria provided, single submitter. Criteria: Ambry Variant Classification Scheme 2023. Collection method: clinical testing. Allele origin: germline.

Breakthrough Genomics
Classification: Likely benign. Review status: criteria provided, single submitter. Criteria: ACMG Guidelines, 2015. Collection method: not provided. Allele origin: germline. Inheritance: Autosomal dominant inheritance. Affected: yes.

NM_001242896.3(DEPDC5):c.3315C>T (p.Ser1105=)

Gene: DEPDC5 (DEP domain containing 5, GATOR1 subcomplex subunit; plus strand). Cytogenetic location: 22q12.3.
Variant type: single nucleotide variant.
Coding change: c.3315C>T on transcript NM_001242896.3 (MANE Select); coding-DNA position 3315, C replaced by T.
Protein change: p.Ser1105=; no amino-acid change (serine 1105 retained).
Molecular consequence: synonymous variant. On other transcripts: non-coding transcript variant (2), intron variant (5).
Genome position (GRCh38, 1-based): chr22:31,861,418, C>T. VCF-style: chr22-31861418-C-T. GRCh37 (hg19) VCF-style: chr22-32257404-C-T.
Other names: c.3288C>T, p.Ser1096= (NM_001136029.4); c.3081C>T, p.Ser1027= (NM_001363854.2, NM_001364319.2); c.3315C>T, p.Ser1105= (NM_001364318.2); c.3231C>T, p.Ser1077= (NM_001369901.1, NM_001369902.1); c.3237+3865C>T (NM_014662.6, NM_001369903.1); c.3264+3865C>T (NM_001363852.2, NM_001364320.2); c.3030+3865C>T (NM_001242897.2).
Identifiers: ClinVar variation 534814 (VCV000534814.53), dbSNP rs371969641, ClinGen allele CA10196943.